The following is an entry in ClinVar:

NM_001244008.2(KIF1A):c.1556A>G (p.Tyr519Cys)

Gene: KIF1A (kinesin family member 1A; minus strand). Cytogenetic location: 2q37.3.
Variant type: single nucleotide variant.
Coding change: c.1556A>G on transcript NM_001244008.2 (MANE Select); coding-DNA position 1556, A replaced by G.
Protein change: p.Tyr519Cys; replaces tyrosine 519 with cysteine.
Molecular consequence: missense variant.
Genome position (GRCh38, 1-based): chr2:240,767,287, T>C on the plus strand (A>G on the coding strand, the complement: KIF1A is on the minus strand). VCF-style: chr2-240767287-T-C. GRCh37 (hg19) VCF-style: chr2-241706704-T-C.
Other names: c.1556A>G, p.Tyr519Cys (NM_001320705.2, NM_001330289.2, NM_001379638.1); c.1631A>G, p.Tyr544Cys (NM_001330290.2, NM_001379631.1, NM_001379634.1 and 2 more transcripts); c.1529A>G, p.Tyr510Cys (NM_001379632.1, NM_001379633.1, NM_001379636.1 and 10 more transcripts); c.1604A>G, p.Tyr535Cys (NM_001379637.1, NM_001379648.1); short protein forms Y510C, Y519C, Y535C, Y544C.
Identifiers: ClinVar variation 1307946 (VCV001307946.2), dbSNP rs2125927165, ClinGen allele CA351328476.

ClinVar aggregate classification (germline): Uncertain significance (1 of 4 stars; one submission).

Submission:

GeneDx
Classification: Uncertain significance. Last evaluated: 2019-08-16. Review status: criteria provided, single submitter. Criteria: GeneDx Variant Classification Process June 2021. Collection method: clinical testing. Allele origin: germline. Affected: yes.
Comment: Not observed in large population cohorts (Lek et al., 2016); In silico analysis, which includes protein predictors and evolutionary conservation, supports a deleterious effect; Has not been previously published as pathogenic or benign to our knowledge